The following is an entry in ClinVar:

ClinVar aggregate classification (germline): Uncertain significance (1 of 4 stars; one submission).

Conditions:
TH-deficient dopa-responsive dystonia. Also called: Tyrosine Hydroxylase-Deficient Dopa-Responsive Dystonia; Segawa syndrome, autosomal recessive; DYT-TH. Identifiers: Orphanet 101150, MedGen C2673535, MONDO:0011551, OMIM 605407.

Allele frequency attached by ClinVar (database versions not stated): TOPMed 0.00002.

Submission:

Labcorp Genetics (formerly Invitae), Labcorp
Classification: Uncertain significance for TH-deficient dopa-responsive dystonia. Last evaluated: 2022-09-01. Review status: criteria provided, single submitter. Criteria: Invitae Variant Classification Sherloc (09022015). Collection method: clinical testing. Allele origin: germline.
Comment: In summary, the available evidence is currently insufficient to determine the role of this variant in disease. Therefore, it has been classified as a Variant of Uncertain Significance. Variants that disrupt the consensus splice site are a relatively common cause of aberrant splicing (PMID: 17576681, 9536098). Algorithms developed to predict the effect of sequence changes on RNA splicing suggest that this variant is not likely to affect RNA splicing. This variant has not been reported in the literature in individuals affected with TH-related conditions. This variant is not present in population databases (gnomAD no frequency). This sequence change affects codon 380 of the TH mRNA. It is a 'silent' change, meaning that it does not change the encoded amino acid sequence of the TH protein. This variant also falls at the last nucleotide of exon 10, which is part of the consensus splice site for this exon.

Literature cited by the submitters: PubMed 17576681; PubMed 9536098.

NM_000360.4(TH):c.1047G>A (p.Gln349=)

Gene: TH (tyrosine hydroxylase; minus strand). Cytogenetic location: 11p15.5.
Variant type: single nucleotide variant.
Coding change: c.1047G>A on transcript NM_000360.4 (MANE Select); coding-DNA position 1047, G replaced by A.
Protein change: p.Gln349=; no amino-acid change (glutamine 349 retained).
Molecular consequence: synonymous variant.
Genome position (GRCh38, 1-based): chr11:2,166,480, C>T on the plus strand (G>A on the coding strand, the complement: TH is on the minus strand). VCF-style: chr11-2166480-C-T. GRCh37 (hg19) VCF-style: chr11-2187710-C-T.
Other names: c.1140G>A, p.Gln380= (NM_199292.3); c.1128G>A, p.Gln376= (NM_199293.3).
Identifiers: ClinVar variation 2143775 (VCV002143775.4), dbSNP rs1021977789, ClinGen allele CA216284590.